The following is an entry in ClinVar:

NM_018122.5(DARS2):c.891T>G (p.Ile297Met)

Gene: DARS2 (aspartyl-tRNA synthetase 2, mitochondrial; plus strand). Cytogenetic location: 1q25.1.
Variant type: single nucleotide variant.
Coding change: c.891T>G on transcript NM_018122.5 (MANE Select); coding-DNA position 891, T replaced by G.
Protein change: p.Ile297Met; replaces isoleucine 297 with methionine.
Molecular consequence: missense variant.
Genome position (GRCh38, 1-based): chr1:173,839,417, T>G. VCF-style: chr1-173839417-T-G. GRCh37 (hg19) VCF-style: chr1-173808555-T-G.
Other names: c.891T>G, p.Ile297Met (NM_001365212.1, NM_001365213.2); short protein forms I297M.
Identifiers: ClinVar variation 4711174 (VCV004711174.1).

ClinVar aggregate classification (germline): Uncertain significance (1 of 4 stars; one submission).

Submission:

Labcorp Genetics (formerly Invitae), Labcorp
Classification: Uncertain significance. Last evaluated: 2025-12-19. Review status: criteria provided, single submitter. Criteria: Invitae Variant Classification Sherloc (09022015). Collection method: clinical testing. Allele origin: germline.
Comment: This sequence change replaces isoleucine, which is neutral and non-polar, with methionine, which is neutral and non-polar, at codon 297 of the DARS2 protein (p.Ile297Met). This variant is not present in population databases (gnomAD no frequency). This variant has not been reported in the literature in individuals affected with DARS2-related conditions. Invitae Evidence Modeling of protein sequence and biophysical properties (such as structural, functional, and spatial information, amino acid conservation, physicochemical variation, residue mobility, and thermodynamic stability) indicates that this missense variant is not expected to disrupt DARS2 protein function with a negative predictive value of 80%. In summary, the available evidence is currently insufficient to determine the role of this variant in disease. Therefore, it has been classified as a Variant of Uncertain Significance.